The following is an entry in ClinVar:

NM_001009944.3(PKD1):c.7927del (p.Arg2643fs)

Gene: PKD1 (polycystin 1, transient receptor potential channel interacting; minus strand). Cytogenetic location: 16p13.3.
Variant type: Deletion.
Coding change: c.7927del on transcript NM_001009944.3 (MANE Select); coding-DNA position 7927, one base deleted (C; older notation c.7927delC).
Protein change: p.Arg2643fs; shifts the reading frame from arginine 2643.
Molecular consequence: frameshift variant.
Genome position (GRCh38, 1-based): chr16:2,105,411, G deleted on the plus strand (C on the coding strand, the reverse complement: PKD1 is on the minus strand). VCF-style (leftmost placement, unchanged base first): chr16-2105410-CG-C. GRCh37 (hg19) VCF-style: chr16-2155411-CG-C.
Other names: c.7927del, p.Arg2643fs (NM_000296.4); short protein forms R2643fs.
Identifiers: ClinVar variation 5019938 (VCV005019938.1).

ClinVar aggregate classification (germline): Pathogenic (1 of 4 stars; one submission).

Conditions:
Polycystic kidney disease, adult type (PKD1). Also called: POLYCYSTIC KIDNEY DISEASE 1 WITH OR WITHOUT POLYCYSTIC LIVER DISEASE; POLYCYSTIC KIDNEY DISEASE, ADULT, TYPE I; Polycystic Kidney Disease 1, Autosomal Dominant; Polycystic kidney disease 1; Polycystic kidney disease 1, severe; Polycystic Kidney, Autosomal Dominant. Identifiers: MedGen C3149841, MONDO:0008263, OMIM 173900.

Submission:

Juno Genomics, Hangzhou Juno Genomics, Inc
Classification: Pathogenic for Polycystic kidney disease, adult type. Review status: criteria provided, single submitter. Criteria: ACMG Guidelines, 2015. Collection method: clinical testing. Allele origin: germline. Affected: yes.
Comment: Absent from controls (or at extremely low frequency if recessive) in Genome Aggregation Database.;Null variant in a gene where loss of function (LOF) is a known mechanism of disease.;Patient's phenotype or family history is highly specific for a disease with a single genetic etiology.